The following is an entry in ClinVar:

NM_194454.3(KRIT1):c.1114_1115del (p.Gln372fs)

Gene: KRIT1 (KRIT1 ankyrin repeat containing; minus strand). Cytogenetic location: 7q21.2.
Variant type: Deletion.
Coding change: c.1114_1115del on transcript NM_194454.3 (MANE Select); coding-DNA positions 1114 to 1115, 2 bases deleted (CA; older notation c.1114_1115delCA).
Protein change: p.Gln372fs; shifts the reading frame from glutamine 372.
Molecular consequence: frameshift variant.
Genome position (GRCh38, 1-based): chr7:92,226,557-92,226,558, TG deleted on the plus strand (CA on the coding strand, the reverse complement: KRIT1 is on the minus strand); deleting any 2 consecutive bases within chr7:92,226,557-92,226,559 gives the same sequence; the c. name uses the placement nearest the transcript's 3' end. VCF-style (leftmost placement, unchanged base first): chr7-92226556-CTG-C. GRCh37 (hg19) VCF-style: chr7-91855870-CTG-C.
Other names: c.970_971del, p.Gln324fs (NM_001013406.2, NM_001350669.1, NM_001350670.1); c.400_401del, p.Gln134fs (NM_001350671.1); c.1114_1115del, p.Gln372fs (NM_001350672.1, NM_001350673.1, NM_001350674.1 and 26 more transcripts); short protein forms Q324fs, Q372fs, Q134fs.
Identifiers: ClinVar variation 4709513 (VCV004709513.1).

ClinVar aggregate classification (germline): Pathogenic (1 of 4 stars; one submission).

Conditions:
Cerebral cavernous malformation (CCM). Also called: Cerebral cavernous malformations; Cavernous Hemangioma of Brain; Cerebral cavernous hemangioma (type); CAVERNOUS ANGIOMA, FAMILIAL; CAVERNOUS ANGIOMATOUS MALFORMATIONS; CEREBRAL CAPILLARY MALFORMATIONS. Identifiers: Orphanet 221061, MedGen C2919945, MONDO:0000820, OMIM 116860, HP:0033522.

Submission:

Labcorp Genetics (formerly Invitae), Labcorp
Classification: Pathogenic for Cerebral cavernous malformation. Last evaluated: 2025-07-13. Review status: criteria provided, single submitter. Criteria: Invitae Variant Classification Sherloc (09022015). Collection method: clinical testing. Allele origin: germline.
Comment: This sequence change creates a premature translational stop signal (p.Gln372Aspfs*10) in the KRIT1 gene. It is expected to result in an absent or disrupted protein product. Loss-of-function variants in KRIT1 are known to be pathogenic (PMID: 10508515, 11222804, 12404106, 24689081). This variant is not present in population databases (gnomAD no frequency). This premature translational stop signal has been observed in individual(s) with cerebral cavernous malformations (PMID: 17345049). For these reasons, this variant has been classified as Pathogenic.

Literature cited by the submitters: PubMed 10508515; PubMed 11222804; PubMed 12404106; PubMed 24689081; PubMed 17345049.